The following is an entry in ClinVar:

ClinVar aggregate classification (germline): Conflicting classifications of pathogenicity. Review status: criteria provided, conflicting classifications (1 of 4 stars). 7 submissions from 7 submitters: Uncertain significance (1); Benign (1); Likely benign (5). Last evaluated 2025-06-22.

Conditions:
Tuberous sclerosis 2 (TSC2). Identifiers: Orphanet 805, MedGen C1860707, MONDO:0013199, OMIM 613254.
Tuberous sclerosis syndrome (TSC). Also called: Tuberous sclerosis; Tuberous Sclerosis Complex. Identifiers: Orphanet 805, MedGen C0041341, MONDO:0001734.
Hereditary cancer-predisposing syndrome. Also called: Hereditary neoplastic syndrome; Tumor predisposition; Hereditary Cancer Syndrome; Neoplastic Syndromes, Hereditary. Identifiers: Orphanet 140162, MedGen C0027672, MeSH D009386, MONDO:0015356.

Allele frequency attached by ClinVar (database versions not stated): gnomAD exomes 0.00001; ExAC 0.00002; TOPMed 0.00002; gnomAD 0.00003; 1000 Genomes Project 30x 0.00016; 1000 Genomes Project 0.00020.
gnomAD v4.1: 12 of 1,612,958 alleles (0.00074%); highest among the groups gnomAD compares: Middle Eastern, 0.016%; no homozygotes.

Submissions (7):

Labcorp Genetics (formerly Invitae), Labcorp
Classification: Likely benign for Tuberous sclerosis 2. Last evaluated: 2025-06-22. Review status: criteria provided, single submitter. Criteria: Invitae Variant Classification Sherloc (09022015). Collection method: clinical testing. Allele origin: germline.

Myriad Genetics, Inc.
Classification: Benign for Tuberous sclerosis 2. Last evaluated: 2025-05-28. Review status: criteria provided, single submitter. Criteria: Myriad Autosomal Dominant, Autosomal Recessive and X-Linked Classification Criteria (2023). Collection method: clinical testing. Allele origin: unknown.
Comment: This variant is considered benign. This variant is a silent/synonymous amino acid change and it is not expected to impact splicing.

Blueprint Genetics
Classification: Likely benign. Last evaluated: 2023-03-06. Review status: criteria provided, single submitter. Criteria: ACMG Guidelines, 2015. Collection method: clinical testing. Allele origin: germline.

Color Diagnostics, LLC DBA Color Health
Classification: Likely benign for Tuberous sclerosis syndrome. Last evaluated: 2022-09-29. Review status: criteria provided, single submitter. Criteria: ACMG Guidelines, 2015. Collection method: clinical testing. Allele origin: germline.

Genome-Nilou Lab
Classification: Likely benign for Tuberous sclerosis 2. Last evaluated: 2021-11-07. Review status: criteria provided, single submitter. Criteria: ACMG Guidelines, 2015. Collection method: clinical testing. Allele origin: germline. Affected: no.

Ambry Genetics
Classification: Likely benign for Hereditary cancer-predisposing syndrome. Last evaluated: 2018-02-28. Review status: criteria provided, single submitter. Criteria: Ambry Variant Classification Scheme 2023. Collection method: clinical testing. Allele origin: germline.

Illumina Laboratory Services, Illumina
Classification: Uncertain significance for Tuberous sclerosis syndrome. Last evaluated: 2018-01-13. Review status: criteria provided, single submitter. Criteria: ICSL Variant Classification Criteria 13 December 2019. Collection method: clinical testing. Allele origin: germline.

NM_000548.5(TSC2):c.3210G>A (p.Thr1070=)

Gene: TSC2 (TSC complex subunit 2; plus strand). Cytogenetic location: 16p13.3.
Variant type: single nucleotide variant.
Coding change: c.3210G>A on transcript NM_000548.5 (MANE Select); coding-DNA position 3210, G replaced by A.
Protein change: p.Thr1070=; no amino-acid change (threonine 1070 retained).
Molecular consequence: synonymous variant.
Genome position (GRCh38, 1-based): chr16:2,079,354, G>A. VCF-style: chr16-2079354-G-A. GRCh37 (hg19) VCF-style: chr16-2129355-G-A.
Other names: c.3078G>A, p.Thr1026= (NM_001077183.3, NM_001370404.1); c.3210G>A, p.Thr1070= (NM_001114382.3); c.2970G>A, p.Thr990= (NM_001318827.2); c.2934G>A, p.Thr978= (NM_001318829.2); c.2478G>A, p.Thr826= (NM_001318831.2); c.3111G>A, p.Thr1037= (NM_001318832.2); c.3081G>A, p.Thr1027= (NM_001363528.2, NM_001370405.1, NM_021055.3).
Identifiers: ClinVar variation 318326 (VCV000318326.23), dbSNP rs539927192, ClinGen allele CA044765.